The following is an entry in ClinVar:

ClinVar aggregate classification (germline): Uncertain significance (1 of 4 stars; one submission).

Allele frequency attached by ClinVar (database versions not stated): gnomAD exomes 0.00001.
gnomAD v4.1: 6 of 1,613,804 alleles (0.00037%); highest among the groups gnomAD compares: Non-Finnish European, 0.00051%; no homozygotes.

Submission:

GeneDx
Classification: Uncertain significance. Last evaluated: 2025-06-13. Review status: criteria provided, single submitter. Criteria: GeneDx Variant Classification Process June 2021. Collection method: clinical testing. Allele origin: germline. Affected: yes.
Comment: Not observed at significant frequency in large population cohorts (gnomAD); In silico analysis supports that this missense variant has a deleterious effect on protein structure/function; Not located in the triple helical region, where the majority of pathogenic missense variants occur (PMID: 22696272; HGMD); Has not been previously published as pathogenic or benign to our knowledge; This variant is associated with the following publications: (PMID: 22696272)

NM_000093.5(COL5A1):c.380A>G (p.Gln127Arg)

Gene: COL5A1 (collagen type V alpha 1 chain; plus strand). Cytogenetic location: 9q34.3.
Variant type: single nucleotide variant.
Coding change: c.380A>G on transcript NM_000093.5 (MANE Select); coding-DNA position 380, A replaced by G.
Protein change: p.Gln127Arg; replaces glutamine 127 with arginine.
Molecular consequence: missense variant.
Genome position (GRCh38, 1-based): chr9:134,700,011, A>G. VCF-style: chr9-134700011-A-G. GRCh37 (hg19) VCF-style: chr9-137591857-A-G.
Other names: c.380A>G, p.Gln127Arg (NM_001278074.1); short protein forms Q127R.
Identifiers: ClinVar variation 2443639 (VCV002443639.3), dbSNP rs2491263969, ClinGen allele CA375442884.